The following is an entry in ClinVar:

ClinVar aggregate classification (germline): Uncertain significance (1 of 4 stars; one submission).

gnomAD v4.1: 4 of 1,613,720 alleles (0.00025%); highest among the groups gnomAD compares: Non-Finnish European, 0.00034%; no homozygotes.

Submission:

Labcorp Genetics (formerly Invitae), Labcorp
Classification: Uncertain significance. Last evaluated: 2025-02-19. Review status: criteria provided, single submitter. Criteria: Invitae Variant Classification Sherloc (09022015). Collection method: clinical testing. Allele origin: germline.
Comment: This sequence change replaces threonine, which is neutral and polar, with serine, which is neutral and polar, at codon 235 of the ADCY10 protein (p.Thr235Ser). This variant is present in population databases (rs756017782, gnomAD 0.003%). This variant has not been reported in the literature in individuals affected with ADCY10-related conditions. An algorithm developed to predict the effect of missense changes on protein structure and function outputs the following: PolyPhen-2: "Benign". The serine amino acid residue is found in multiple mammalian species, which suggests that this missense change does not adversely affect protein function. In summary, the available evidence is currently insufficient to determine the role of this variant in disease. Therefore, it has been classified as a Variant of Uncertain Significance.

NM_018417.6(ADCY10):c.704C>G (p.Thr235Ser)

Genes: DCAF6 (DDB1 and CUL4 associated factor 6; plus strand), ADCY10 (adenylate cyclase 10; minus strand). Cytogenetic location: 1q24.2.
Variant type: single nucleotide variant.
Coding change: c.704C>G on transcript NM_018417.6 (MANE Select); coding-DNA position 704, C replaced by G.
Protein change: p.Thr235Ser; replaces threonine 235 with serine.
Molecular consequence: missense variant.
Genome position (GRCh38, 1-based): chr1:167,896,630, G>C on the plus strand (C>G on the coding strand, the complement: ADCY10 is on the minus strand). VCF-style: chr1-167896630-G-C. GRCh37 (hg19) VCF-style: chr1-167865868-G-C.
Other names: c.245C>G, p.Thr82Ser (NM_001167749.3); c.428C>G, p.Thr143Ser (NM_001297772.2); short protein forms T235S, T82S, T143S.
Identifiers: ClinVar variation 4695680 (VCV004695680.1).